The following is an entry in ClinVar:

NM_002890.3(RASA1):c.3035T>G (p.Leu1012Arg)

Genes: CCNH (cyclin H; minus strand), RASA1 (RAS p21 protein activator 1; plus strand). Cytogenetic location: 5q14.3.
Variant type: single nucleotide variant.
Coding change: c.3035T>G on transcript NM_002890.3 (MANE Select); coding-DNA position 3035, T replaced by G.
Protein change: p.Leu1012Arg; replaces leucine 1012 with arginine.
Molecular consequence: missense variant. On other transcripts: intron variant (1).
Genome position (GRCh38, 1-based): chr5:87,389,502, T>G. VCF-style: chr5-87389502-T-G. GRCh37 (hg19) VCF-style: chr5-86685319-T-G.
Other names: c.2504T>G, p.Leu835Arg (NM_022650.3); c.933+5542A>C (NM_001364075.2); short protein forms L1012R, L835R.
Identifiers: ClinVar variation 4701342 (VCV004701342.1).

ClinVar aggregate classification (germline): Uncertain significance (1 of 4 stars; one submission).

Conditions:
Capillary malformation-arteriovenous malformation syndrome. Also called: Capillary malformation-arteriovenous malformation. Identifiers: Orphanet 137667, MedGen C1842180, MONDO:0012016.

gnomAD v4.1: 5 of 1,614,100 alleles (0.00031%); highest among the groups gnomAD compares: Non-Finnish European, 0.00042%; no homozygotes.

Submission:

Labcorp Genetics (formerly Invitae), Labcorp
Classification: Uncertain significance for Capillary malformation-arteriovenous malformation syndrome. Last evaluated: 2025-09-13. Review status: criteria provided, single submitter. Criteria: Invitae Variant Classification Sherloc (09022015). Collection method: clinical testing. Allele origin: germline.
Comment: This sequence change replaces leucine, which is neutral and non-polar, with arginine, which is basic and polar, at codon 1012 of the RASA1 protein (p.Leu1012Arg). This variant is present in population databases (rs745472372, gnomAD 0.002%). This variant has not been reported in the literature in individuals affected with RASA1-related conditions. An algorithm developed to predict the effect of missense changes on protein structure and function (PolyPhen-2) suggests that this variant is likely to be tolerated. In summary, the available evidence is currently insufficient to determine the role of this variant in disease. Therefore, it has been classified as a Variant of Uncertain Significance.